The following is an entry in ClinVar:

NM_022489.4(INF2):c.3614G>A (p.Gly1205Asp)

Gene: INF2 (inverted formin 2; plus strand). Cytogenetic location: 14q32.33.
Variant type: single nucleotide variant.
Coding change: c.3614G>A on transcript NM_022489.4 (MANE Select); coding-DNA position 3614, G replaced by A.
Protein change: p.Gly1205Asp; replaces glycine 1205 with aspartic acid.
Molecular consequence: missense variant.
Genome position (GRCh38, 1-based): chr14:104,714,776, G>A. VCF-style: chr14-104714776-G-A. GRCh37 (hg19) VCF-style: chr14-105181113-G-A.
Other names: c.3614G>A, p.Gly1205Asp (NM_001031714.4); short protein forms G1205D.
Identifiers: ClinVar variation 1498135 (VCV001498135.9), dbSNP rs956685612, ClinGen allele CA267330961.

ClinVar aggregate classification (germline): Uncertain significance. Review status: criteria provided, multiple submitters, no conflicts (2 of 4 stars). 2 submissions from 2 submitters: Uncertain significance (2). Last evaluated 2023-12-11.

Conditions:
Focal segmental glomerulosclerosis 5 (FSGS5). Identifiers: Orphanet 656, MedGen C2750475, MONDO:0013191, OMIM 613237.
Charcot-Marie-Tooth disease dominant intermediate E. Also called: CHARCOT-MARIE-TOOTH NEUROPATHY WITH FOCAL SEGMENTAL GLOMERULONEPHRITIS. Identifiers: Orphanet 93114, MedGen C4302667, MONDO:0013758, OMIM 614455.

Allele frequency attached by ClinVar (database versions not stated): gnomAD exomes 0.00001; TOPMed 0.00001.
gnomAD v4.1: 9 of 1,599,218 alleles (0.00056%); highest among the groups gnomAD compares: Admixed American, 0.0017%; no homozygotes.

Submissions (2):

Labcorp Genetics (formerly Invitae), Labcorp
Classification: Uncertain significance for Charcot-Marie-Tooth disease dominant intermediate E; Focal segmental glomerulosclerosis 5. Last evaluated: 2023-12-11. Review status: criteria provided, single submitter. Criteria: Invitae Variant Classification Sherloc (09022015). Collection method: clinical testing. Allele origin: germline.
Comment: This sequence change replaces glycine, which is neutral and non-polar, with aspartic acid, which is acidic and polar, at codon 1205 of the INF2 protein (p.Gly1205Asp). This variant is present in population databases (no rsID available, gnomAD 0.007%). This missense change has been observed in individual(s) with clinical features of INF2-related conditions (Invitae). ClinVar contains an entry for this variant (Variation ID: 1498135). Advanced modeling of protein sequence and biophysical properties (such as structural, functional, and spatial information, amino acid conservation, physicochemical variation, residue mobility, and thermodynamic stability) performed at Invitae indicates that this missense variant is not expected to disrupt INF2 protein function with a negative predictive value of 95%. In summary, the available evidence is currently insufficient to determine the role of this variant in disease. Therefore, it has been classified as a Variant of Uncertain Significance.

Fulgent Genetics
Classification: Uncertain significance for Focal segmental glomerulosclerosis 5; Charcot-Marie-Tooth disease dominant intermediate E. Last evaluated: 2021-12-16. Review status: criteria provided, single submitter. Criteria: ACMG Guidelines, 2015. Collection method: clinical testing. Allele origin: unknown.